The following is an entry in ClinVar:

NM_002253.4(KDR):c.1596G>A (p.Ala532=)

Gene: KDR (kinase insert domain receptor; minus strand). Cytogenetic location: 4q12.
Variant type: single nucleotide variant.
Coding change: c.1596G>A on transcript NM_002253.4 (MANE Select); coding-DNA position 1596, G replaced by A.
Protein change: p.Ala532=; no amino-acid change (alanine 532 retained).
Molecular consequence: synonymous variant.
Genome position (GRCh38, 1-based): chr4:55,105,881, C>T on the plus strand (G>A on the coding strand, the complement: KDR is on the minus strand). VCF-style: chr4-55105881-C-T. GRCh37 (hg19) VCF-style: chr4-55972048-C-T.
Identifiers: ClinVar variation 695646 (VCV000695646.7), dbSNP rs138803814, ClinGen allele CA2924678.

ClinVar aggregate classification (germline): Benign. Review status: criteria provided, multiple submitters, no conflicts (2 of 4 stars). 3 submissions from 3 submitters: Benign (2). 1 of the submissions does not count toward it. Last evaluated 2019-12-31.

Conditions:
KDR-related disorder. Also called: KDR-related condition.

Allele frequency attached by ClinVar (database versions not stated): gnomAD exomes 0.00023 and 0.00065; ExAC 0.00081; 1000 Genomes Project 0.00220; gnomAD 0.00239 and 0.00267; TOPMed 0.00244; ESP Exome Variant Server 0.00246; 1000 Genomes Project 30x 0.00250.
gnomAD v4.1: 707 of 1,613,510 alleles (0.044%); highest among the groups gnomAD compares: African/African-American, 0.82%; 3 homozygotes.

Submissions (3):

Labcorp Genetics (formerly Invitae), Labcorp
Classification: Benign. Last evaluated: 2019-12-31. Review status: criteria provided, single submitter. Criteria: Invitae Variant Classification Sherloc (09022015). Collection method: clinical testing. Allele origin: germline.

Breakthrough Genomics
Classification: Benign. Review status: criteria provided, single submitter. Criteria: ACMG Guidelines, 2015. Collection method: not provided. Allele origin: germline. Inheritance: Autosomal dominant inheritance. Affected: yes.

PreventionGenetics, part of Exact Sciences
Classification: Benign for KDR-related condition. Last evaluated: 2023-12-21. Review status: no assertion criteria provided. Collection method: clinical testing. Allele origin: germline. Not counted in ClinVar's aggregate classification.
Comment: This variant is classified as benign based on ACMG/AMP sequence variant interpretation guidelines (Richards et al. 2015 PMID: 25741868, with internal and published modifications).